The following is an entry in ClinVar:

ClinVar aggregate classification (germline): Likely benign (1 of 4 stars; one submission).

Submission:

GeneDx
Classification: Likely benign. Last evaluated: 2021-11-05. Review status: criteria provided, single submitter. Criteria: GeneDx Variant Classification Process June 2021. Collection method: clinical testing. Allele origin: germline. Affected: yes.
Comment: See Variant Classification Assertion Criteria.

NM_152713.5(STT3A):c.616-202del

Gene: STT3A (STT3 oligosaccharyltransferase complex catalytic subunit A; plus strand). Cytogenetic location: 11q24.2.
Variant type: Deletion.
Coding change: c.616-202del on transcript NM_152713.5 (MANE Select); 202 bases into the intron before coding-DNA position 616, one base deleted (G; older notation c.616-202delG).
Molecular consequence: intron variant.
Genome position (GRCh38, 1-based): chr11:125,606,099, G deleted. VCF-style (leftmost placement, unchanged base first): chr11-125606098-TG-T. GRCh37 (hg19) VCF-style: chr11-125475993-TG-T.
Other names: c.616-202del (NM_001278503.2); c.340-202del (NM_001278504.2).
Identifiers: ClinVar variation 4813965 (VCV004813965.1).